The following is an entry in ClinVar:

ClinVar aggregate classification (germline): Uncertain significance (0 of 4 stars; one submission).

Conditions:
ALMS1-related disorder. Also called: ALMS1-related condition.

Submission:

PreventionGenetics, part of Exact Sciences
Classification: Uncertain significance for ALMS1-related condition. Last evaluated: 2023-12-19. Review status: no assertion criteria provided. Collection method: clinical testing. Allele origin: germline.
Comment: The ALMS1 c.737A>C variant is predicted to result in the amino acid substitution p.Gln246Pro. To our knowledge, this variant has not been reported in the literature. This variant is reported in 0.0058% of alleles in individuals of Latino descent in gnomAD. At this time, the clinical significance of this variant is uncertain due to the absence of conclusive functional and genetic evidence.

NM_001378454.1(ALMS1):c.734A>C (p.His245Pro)

Gene: ALMS1 (ALMS1 centrosome and basal body associated protein; plus strand). Cytogenetic location: 2p13.1.
Variant type: single nucleotide variant.
Coding change: c.734A>C on transcript NM_001378454.1 (MANE Select); coding-DNA position 734, A replaced by C.
Protein change: p.His245Pro; replaces histidine 245 with proline.
Molecular consequence: missense variant.
Genome position (GRCh38, 1-based): chr2:73,422,944, A>C. VCF-style: chr2-73422944-A-C. GRCh37 (hg19) VCF-style: chr2-73650072-A-C.
Other names: c.737A>C, p.His246Pro (NM_015120.4); short protein forms H245P, H246P.
Identifiers: ClinVar variation 3348180 (VCV003348180.1).
Genomic context (GRCh38, chr2:73,422,944, plus strand): 5'-ATTTGCCTTTGCTGACCTGTTTGACACAAGACCAAGAATTTGCGCCTGATTCTTTATTTC[A>C]TCAAAGTGAACTAAGTTTTGCACCTCTGAGGTAGGATGATTTATTTGCATGTAACCTTTC-3'
Protein context (NP_001365383.1, residues 235-255): DQEFAPDSLF[His245Pro]QSELSFAPLR